The following is an entry in ClinVar:

ClinVar aggregate classification (germline): Uncertain significance (1 of 4 stars; one submission).

Conditions:
Charcot-Marie-Tooth disease type 2. Also called: Charcot-Marie-Tooth type 2. Identifiers: Orphanet 64746, MedGen C0270914, MONDO:0018993.

Submission:

Labcorp Genetics (formerly Invitae), Labcorp
Classification: Uncertain significance for Charcot-Marie-Tooth disease type 2. Last evaluated: 2020-02-22. Review status: criteria provided, single submitter. Criteria: Invitae Variant Classification Sherloc (09022015). Collection method: clinical testing. Allele origin: germline.
Comment: In summary, the available evidence is currently insufficient to determine the role of this variant in disease. Therefore, it has been classified as a Variant of Uncertain Significance. This sequence change replaces isoleucine with serine at codon 214 of the AARS protein (p.Ile214Ser). The isoleucine residue is highly conserved and there is a large physicochemical difference between isoleucine and serine. This variant is not present in population databases (ExAC no frequency). This variant has not been reported in the literature in individuals with AARS-related conditions. Algorithms developed to predict the effect of missense changes on protein structure and function are either unavailable or do not agree on the potential impact of this missense change (SIFT: "Deleterious"; PolyPhen-2: "Possibly Damaging"; Align-GVGD: "Class C0").

NM_001605.3(AARS1):c.641T>G (p.Ile214Ser)

Gene: AARS1 (alanyl-tRNA synthetase 1; minus strand). Cytogenetic location: 16q22.1.
Variant type: single nucleotide variant.
Coding change: c.641T>G on transcript NM_001605.3 (MANE Select); coding-DNA position 641, T replaced by G.
Protein change: p.Ile214Ser; replaces isoleucine 214 with serine.
Molecular consequence: missense variant.
Genome position (GRCh38, 1-based): chr16:70,271,811, A>C on the plus strand (T>G on the coding strand, the complement: AARS1 is on the minus strand). VCF-style: chr16-70271811-A-C. GRCh37 (hg19) VCF-style: chr16-70305714-A-C.
Other names: short protein forms I214S.
Identifiers: ClinVar variation 842509 (VCV000842509.9), dbSNP rs1960409749, ClinGen allele CA396566499.